The following is an entry in ClinVar:

ClinVar aggregate classification (germline): Uncertain significance (1 of 4 stars; one submission).

Conditions:
Hyperammonemic encephalopathy due to carbonic anhydrase VA deficiency. Also called: Carbonic anhydrase VA deficiency, hyperammonemia due to; Carbonic Anhydrase VA Deficiency. Identifiers: Orphanet 401948, MedGen C4706871, MONDO:0014332, OMIM 615751.

Submission:

Labcorp Genetics (formerly Invitae), Labcorp
Classification: Uncertain significance for Hyperammonemic encephalopathy due to carbonic anhydrase VA deficiency. Last evaluated: 2021-09-16. Review status: criteria provided, single submitter. Criteria: Invitae Variant Classification Sherloc (09022015). Collection method: clinical testing. Allele origin: germline.
Comment: This sequence change replaces proline with glutamic acid at codon 283 of the CA5A protein (p.Pro283Glu). The proline residue is highly conserved and there is a moderate physicochemical difference between proline and glutamic acid. The frequency data for this variant in the population databases is not available, as this variant may be reported as separate entries in the ExAC database. This variant has not been reported in the literature in individuals affected with CA5A-related conditions. Algorithms developed to predict the effect of missense changes on protein structure and function are either unavailable or do not agree on the potential impact of this missense change (SIFT: "Not Available"; PolyPhen-2: "Probably Damaging"; Align-GVGD: "Not Available"). In summary, the available evidence is currently insufficient to determine the role of this variant in disease. Therefore, it has been classified as a Variant of Uncertain Significance.

NM_001739.2(CA5A):c.847_848delinsGA (p.Pro283Glu)

Gene: CA5A (carbonic anhydrase 5A; minus strand). Cytogenetic location: 16q24.2.
Variant type: Indel.
Coding change: c.847_848delinsGA on transcript NM_001739.2 (MANE Select); coding-DNA positions 847 to 848, CC replaced by GA.
Protein change: p.Pro283Glu; replaces proline 283 with glutamic acid.
Molecular consequence: missense variant. On other transcripts: non-coding transcript variant (2), intron variant (1).
Genome position (GRCh38, 1-based): chr16:87,888,199-87,888,200, GG replaced by TC on the plus strand (CC replaced by GA on the coding strand, the reverse complement: CA5A is on the minus strand). VCF-style: chr16-87888199-GG-TC. GRCh37 (hg19) VCF-style: chr16-87921805-GG-TC.
Other names: c.774+3599_774+3600delinsGA (NM_001367225.1); short protein forms P283E.
Identifiers: ClinVar variation 1416554 (VCV001416554.3), dbSNP rs2143888447, ClinGen allele CA2573152774.